The following is an entry in ClinVar:

NM_000179.3(MSH6):c.1607G>C (p.Ser536Thr)

Gene: MSH6 (mutS homolog 6; plus strand). Cytogenetic location: 2p16.3.
Variant type: single nucleotide variant.
Coding change: c.1607G>C on transcript NM_000179.3 (MANE Select); coding-DNA position 1607, G replaced by C.
Protein change: p.Ser536Thr; replaces serine 536 with threonine.
Molecular consequence: missense variant.
Genome position (GRCh38, 1-based): chr2:47,799,590, G>C. VCF-style: chr2-47799590-G-C. GRCh37 (hg19) VCF-style: chr2-48026729-G-C.
Other names: c.1217G>C, p.Ser406Thr (NM_001281492.2); c.701G>C, p.Ser234Thr (NM_001281493.2, NM_001281494.2); short protein forms S536T, S234T, S406T.
Identifiers: ClinVar variation 428340 (VCV000428340.17), dbSNP rs587782352, ClinGen allele CA346746995.

ClinVar aggregate classification (germline): Conflicting classifications of pathogenicity. Review status: criteria provided, conflicting classifications (1 of 4 stars). 5 submissions from 5 submitters: Uncertain significance (4); Likely benign (1). Last evaluated 2024-03-07.

Conditions:
Hereditary cancer-predisposing syndrome. Also called: Hereditary Cancer Syndrome; Neoplastic Syndromes, Hereditary; Hereditary neoplastic syndrome; Tumor predisposition. Identifiers: Orphanet 140162, MedGen C0027672, MeSH D009386, MONDO:0015356.
Hereditary nonpolyposis colorectal neoplasms. Identifiers: MedGen C0009405, MeSH D003123.
Lynch syndrome. Identifiers: Orphanet 144, MedGen C4552100, MONDO:0005835. Disease mechanism: loss of function.
Endometrial carcinoma. Also called: Endometrial carcinoma, somatic. Identifiers: MedGen C0476089, MONDO:0002447, OMIM 608089, HP:0012114.

Allele frequency attached by ClinVar (database versions not stated): gnomAD 0.00001.
gnomAD v4.1: 3 of 1,614,058 alleles (0.00019%); highest among the groups gnomAD compares: Non-Finnish European, 0.00025%; no homozygotes.

Submissions (5):

Color Diagnostics, LLC DBA Color Health
Classification: Uncertain significance for Hereditary cancer-predisposing syndrome. Last evaluated: 2024-03-07. Review status: criteria provided, single submitter. Criteria: ACMG Guidelines, 2015. Collection method: clinical testing. Allele origin: germline.
Comment: This missense variant replaces serine with threonine at codon 536 of the MSH6 protein. Computational prediction suggests that this variant may not impact protein structure and function (internally defined REVEL score threshold <= 0.5, PMID: 27666373). To our knowledge, functional studies have not been reported for this variant. This variant has not been reported in individuals affected with hereditary cancer in the literature. This variant has not been identified in the general population by the Genome Aggregation Database (gnomAD). The available evidence is insufficient to determine the role of this variant in disease conclusively. Therefore, this variant is classified as a Variant of Uncertain Significance.

Baylor Genetics
Classification: Uncertain significance for Endometrial carcinoma. Last evaluated: 2023-10-20. Review status: criteria provided, single submitter. Criteria: ACMG Guidelines, 2015. Collection method: clinical testing. Allele origin: unknown.

All of Us Research Program, National Institutes of Health
Classification: Uncertain significance for Lynch syndrome. Last evaluated: 2023-03-28. Review status: criteria provided, single submitter. Criteria: ACMG Guidelines, 2015. Collection method: clinical testing. Allele origin: germline. Inheritance: Autosomal dominant inheritance. Observed: 1 variant allele, 1 heterozygote.
Comment: This missense variant replaces serine with threonine at codon 536 of the MSH6 protein. Computational prediction suggests that this variant may not impact protein structure and function (internally defined REVEL score threshold <= 0.5, PMID: 27666373). To our knowledge, functional studies have not been reported for this variant. This variant has not been reported in individuals affected with hereditary cancer in the literature. This variant has not been identified in the general population by the Genome Aggregation Database (gnomAD). The available evidence is insufficient to determine the role of this variant in disease conclusively. Therefore, this variant is classified as a Variant of Uncertain Significance.

This study involves interpretation of variants in research participants for the purpose of population health screening. Participant phenotype was not available at the time of variant classification. Additional details can be found in publication PMID: 35346344, PMCID: PMC8962531

Labcorp Genetics (formerly Invitae), Labcorp
Classification: Uncertain significance for Hereditary nonpolyposis colorectal neoplasms. Last evaluated: 2022-08-09. Review status: criteria provided, single submitter. Criteria: Invitae Variant Classification Sherloc (09022015). Collection method: clinical testing. Allele origin: germline.
Comment: This sequence change replaces serine, which is neutral and polar, with threonine, which is neutral and polar, at codon 536 of the MSH6 protein (p.Ser536Thr). In summary, the available evidence is currently insufficient to determine the role of this variant in disease. Therefore, it has been classified as a Variant of Uncertain Significance. Advanced modeling of protein sequence and biophysical properties (such as structural, functional, and spatial information, amino acid conservation, physicochemical variation, residue mobility, and thermodynamic stability) performed at Invitae indicates that this missense variant is not expected to disrupt MSH6 protein function. ClinVar contains an entry for this variant (Variation ID: 428340). This variant has not been reported in the literature in individuals affected with MSH6-related conditions. This variant is not present in population databases (gnomAD no frequency).

Ambry Genetics
Classification: Likely benign for Hereditary cancer-predisposing syndrome. Last evaluated: 2022-03-18. Review status: criteria provided, single submitter. Criteria: Ambry Variant Classification Scheme 2023. Collection method: clinical testing. Allele origin: germline.